The following is an entry in ClinVar:

NM_002185.5(IL7R):c.156_157delinsTT (p.Gln52_His53delinsHisTyr)

Gene: IL7R (interleukin 7 receptor; plus strand). Cytogenetic location: 5p13.2.
Variant type: Indel.
Coding change: c.156_157delinsTT on transcript NM_002185.5 (MANE Select); coding-DNA positions 156 to 157, GC replaced by TT.
Protein change: p.Gln52_His53delinsHisTyr.
Molecular consequence: missense variant. On other transcripts: non-coding transcript variant (1).
Genome position (GRCh38, 1-based): chr5:35,860,925-35,860,926, GC replaced by TT. VCF-style: chr5-35860925-GC-TT. GRCh37 (hg19) VCF-style: chr5-35861027-GC-TT.
Other names: c.156_157delinsTT (NM_002185.2).
Identifiers: ClinVar variation 640639 (VCV000640639.4), dbSNP rs1580851810, ClinGen allele CA915943333.
Genomic context (GRCh38, chr5:35,860,925, plus strand): 5'-TGCAGAACTGGATGACTACTCATTCTCATGCTATAGCCAGTTGGAAGTGAATGGATCGCA[GC>TT]ACTCACTGACCTGTGCTTTTGAGGACCCAGATGTCAACATCACCAATCTGGAATTTGAAA-3'

ClinVar aggregate classification (germline): Uncertain significance. Review status: criteria provided, multiple submitters, no conflicts (2 of 4 stars). 2 submissions from 2 submitters: Uncertain significance (2). Last evaluated 2022-10-06.

Conditions:
Immunodeficiency 104. Also called: Severe combined immunodeficiency, autosomal recessive, T cell-negative, B cell-positive, NK cell-positive; SCID, AUTOSOMAL RECESSIVE, T CELL-NEGATIVE, B CELL-POSITIVE, NK CELL-POSITIVE; IMMUNODEFICIENCY 104, SEVERE COMBINED; Severe Combined Immune Deficiency, Autosomal Recessive, TCell -Negative, B Cell-Positive, NK Cell-Positive, IL7R-Related. Identifiers: MedGen C5676890, MONDO:0012163, OMIM 608971.

Submissions (2):

GeneDx
Classification: Uncertain significance. Last evaluated: 2022-10-06. Review status: criteria provided, single submitter. Criteria: GeneDx Variant Classification Process June 2021. Collection method: clinical testing. Allele origin: germline. Affected: yes.
Comment: In silico analysis supports a deleterious effect on protein structure/function; Has not been previously published as pathogenic or benign to our knowledge

Labcorp Genetics (formerly Invitae), Labcorp
Classification: Uncertain significance for Immunodeficiency 104. Last evaluated: 2022-09-07. Review status: criteria provided, single submitter. Criteria: Invitae Variant Classification Sherloc (09022015). Collection method: clinical testing. Allele origin: germline.
Comment: This variant, c.156_157delinsTT, is a complex sequence change that results in the deletion of 2 and insertion of 2 amino acid(s) in the IL7R protein (p.Gln52_His53delinsHisTyr). Information on the frequency of this variant in the gnomAD database is not available, as this variant may be reported differently in the database. This variant has not been reported in the literature in individuals affected with IL7R-related conditions. ClinVar contains an entry for this variant (Variation ID: 640639). Experimental studies and prediction algorithms are not available or were not evaluated, and the functional significance of this variant is currently unknown. In summary, the available evidence is currently insufficient to determine the role of this variant in disease. Therefore, it has been classified as a Variant of Uncertain Significance.